The following is an entry in ClinVar:

ClinVar aggregate classification (germline): Pathogenic (1 of 4 stars; one submission).

Conditions:
Developmental and epileptic encephalopathy, 12 (DEE12). Identifiers: MedGen C3150988, MONDO:0013389, OMIM 613722.

Submission:

Labcorp Genetics (formerly Invitae), Labcorp
Classification: Pathogenic for Developmental and epileptic encephalopathy, 12. Last evaluated: 2023-11-01. Review status: criteria provided, single submitter. Criteria: Invitae Variant Classification Sherloc (09022015). Collection method: clinical testing. Allele origin: germline.
Comment: This sequence change creates a premature translational stop signal (p.Arg464*) in the PNKP gene. It is expected to result in an absent or disrupted protein product. Loss-of-function variants in PNKP are known to be pathogenic (PMID: 20118933, 25728773). This variant is not present in population databases (gnomAD no frequency). This variant has not been reported in the literature in individuals affected with PNKP-related conditions. ClinVar contains an entry for this variant (Variation ID: 1412103). Algorithms developed to predict the effect of sequence changes on RNA splicing suggest that this variant may disrupt the consensus splice site. For these reasons, this variant has been classified as Pathogenic.

Literature cited by the submitters: PubMed 20118933; PubMed 25728773.

NM_007254.4(PNKP):c.1390C>T (p.Arg464Ter)

Gene: PNKP (polynucleotide kinase 3'-phosphatase; minus strand). Cytogenetic location: 19q13.33.
Variant type: single nucleotide variant.
Coding change: c.1390C>T on transcript NM_007254.4 (MANE Select); coding-DNA position 1390, C replaced by T.
Protein change: p.Arg464Ter; replaces arginine 464 with a stop codon.
Molecular consequence: nonsense.
Genome position (GRCh38, 1-based): chr19:49,861,507, G>A on the plus strand (C>T on the coding strand, the complement: PNKP is on the minus strand). VCF-style: chr19-49861507-G-A. GRCh37 (hg19) VCF-style: chr19-50364764-G-A.
Other names: short protein forms R464*.
Identifiers: ClinVar variation 1412103 (VCV001412103.6), dbSNP rs138249970, ClinGen allele CA406932907.